The following is an entry in ClinVar:

NM_004360.5(CDH1):c.779C>T (p.Pro260Leu)

Gene: CDH1 (cadherin 1; plus strand). Cytogenetic location: 16q22.1.
Variant type: single nucleotide variant.
Coding change: c.779C>T on transcript NM_004360.5 (MANE Select); coding-DNA position 779, C replaced by T.
Protein change: p.Pro260Leu; replaces proline 260 with leucine.
Molecular consequence: missense variant. On other transcripts: 5 prime UTR variant (2).
Genome position (GRCh38, 1-based): chr16:68,810,288, C>T. VCF-style: chr16-68810288-C-T. GRCh37 (hg19) VCF-style: chr16-68844191-C-T.
Other names: c.779C>T (NM_004360.4); c.779C>T, p.Pro260Leu (NM_001317184.2); c.-837C>T (NM_001317185.2); c.-1041C>T (NM_001317186.2); short protein forms P260L.
Identifiers: ClinVar variation 979046 (VCV000979046.2), dbSNP rs1960783816, ClinGen allele CA396458706.

ClinVar aggregate classification (germline): Uncertain significance. Review status: criteria provided, single submitter (1 of 4 stars). 2 submissions from 2 submitters: Uncertain significance (1). 1 of the submissions does not count toward it. Last evaluated 2025-04-09.

Conditions:
Blepharocheilodontic syndrome 1 (BCDS1). Identifiers: Orphanet 1997, MedGen C4551988, MONDO:0054740, OMIM 119580.
CDH1-related disorder. Also called: CDH1-related condition.

Submissions (2):

PreventionGenetics, part of Exact Sciences
Classification: Uncertain significance for CDH1-related condition. Last evaluated: 2025-04-09. Review status: criteria provided, single submitter. Criteria: ACMG Guidelines, 2015. Collection method: clinical testing. Allele origin: germline.
Comment: The CDH1 c.779C>T variant is predicted to result in the amino acid substitution p.Pro260Leu. This variant has been reported in an individual with syndromic cleft lip/palate (blepharocheilodontic syndrome, BCDS) (Supplementary data, Selvanathan et al. 2020. PubMed ID: 32260281). This variant has not been reported in a large population database (gnomAD), indicating it is rare. Although we suspect that this variant may be pathogenic, at this time, the clinical significance of this variant is uncertain due to the absence of conclusive functional and genetic evidence.

University of Washington Center for Mendelian Genomics, University of Washington
Classification: Uncertain significance for Blepharocheilodontic syndrome 1. Review status: no assertion criteria provided. Collection method: research. Allele origin: unknown. Affected: yes. Not counted in ClinVar's aggregate classification.

Literature cited by the submitters: PubMed 32260281 (cited by University of Washington Center for Mendelian Genomics, University of Washington).